The following is an entry in ClinVar:

NM_001009944.3(PKD1):c.8860G>T (p.Glu2954Ter)

Gene: PKD1 (polycystin 1, transient receptor potential channel interacting; minus strand). Cytogenetic location: 16p13.3.
Variant type: single nucleotide variant.
Coding change: c.8860G>T on transcript NM_001009944.3 (MANE Select); coding-DNA position 8860, G replaced by T.
Protein change: p.Glu2954Ter; replaces glutamic acid 2954 with a stop codon.
Molecular consequence: nonsense.
Genome position (GRCh38, 1-based): chr16:2,102,902, C>A on the plus strand (G>T on the coding strand, the complement: PKD1 is on the minus strand). VCF-style: chr16-2102902-C-A. GRCh37 (hg19) VCF-style: chr16-2152903-C-A.
Other names: c.8860G>T, p.Glu2954Ter (NM_000296.4); short protein forms E2954*.
Identifiers: ClinVar variation 3902592 (VCV003902592.1).

ClinVar aggregate classification (germline): Pathogenic (1 of 4 stars; one submission).

Conditions:
Polycystic kidney disease, adult type (PKD1). Also called: Polycystic Kidney Disease 1, Autosomal Dominant; Polycystic kidney disease 1; Polycystic kidney disease 1, severe; Polycystic Kidney, Autosomal Dominant; POLYCYSTIC KIDNEY DISEASE 1 WITH OR WITHOUT POLYCYSTIC LIVER DISEASE; POLYCYSTIC KIDNEY DISEASE, ADULT, TYPE I. Identifiers: MedGen C3149841, MONDO:0008263, OMIM 173900.

Submission:

Women's Health and Genetics/Laboratory Corporation of America, LabCorp
Classification: Pathogenic for Polycystic kidney disease, adult type. Last evaluated: 2025-05-01. Review status: criteria provided, single submitter. Criteria: LabCorp Variant Classification Summary - May 2015. Collection method: clinical testing. Allele origin: germline.
Comment: Variant summary: PKD1 c.8860G>T (p.Glu2954X) results in a premature termination codon, predicted to cause absence of the protein due to nonsense mediated decay, which is a commonly known mechanism for disease. The variant was absent in 248692 control chromosomes (gnomAD). c.8860G>T has been observed in individuals affected with Polycystic Kidney Disease 1, including as a de novo occurrence (e.g., Carrera_2016, Mantovani_2020). The following publications have been ascertained in the context of this evaluation (PMID: 27499327, 32457805). No submitters have cited clinical-significance assessments for this variant to ClinVar. Based on the evidence outlined above, the variant was classified as pathogenic.

Literature cited by the submitters: PubMed 32457805; PubMed 27499327.